The following is an entry in ClinVar:

ClinVar aggregate classification (germline): Uncertain significance (1 of 4 stars; one submission).

Submission:

Labcorp Genetics (formerly Invitae), Labcorp
Classification: Uncertain significance. Last evaluated: 2024-02-02. Review status: criteria provided, single submitter. Criteria: Invitae Variant Classification Sherloc (09022015). Collection method: clinical testing. Allele origin: germline.
Comment: This sequence change replaces aspartic acid, which is acidic and polar, with valine, which is neutral and non-polar, at codon 20 of the ZNF513 protein (p.Asp20Val). This variant is not present in population databases (gnomAD no frequency). This variant has not been reported in the literature in individuals affected with ZNF513-related conditions. An algorithm developed to predict the effect of missense changes on protein structure and function (PolyPhen-2) suggests that this variant is likely to be disruptive. In summary, the available evidence is currently insufficient to determine the role of this variant in disease. Therefore, it has been classified as a Variant of Uncertain Significance.

NM_144631.6(ZNF513):c.59A>T (p.Asp20Val)

Gene: ZNF513 (zinc finger protein 513; minus strand). Cytogenetic location: 2p23.3.
Variant type: single nucleotide variant.
Coding change: c.59A>T on transcript NM_144631.6 (MANE Select); coding-DNA position 59, A replaced by T.
Protein change: p.Asp20Val; replaces aspartic acid 20 with valine.
Molecular consequence: missense variant. On other transcripts: 5 prime UTR variant (1).
Genome position (GRCh38, 1-based): chr2:27,380,245, T>A on the plus strand (A>T on the coding strand, the complement: ZNF513 is on the minus strand). VCF-style: chr2-27380245-T-A. GRCh37 (hg19) VCF-style: chr2-27603112-T-A.
Other names: c.-128A>T (NM_001201459.2); short protein forms D20V.
Identifiers: ClinVar variation 3610796 (VCV003610796.2).